The following is an entry in ClinVar:

ClinVar aggregate classification (germline): Uncertain significance. Review status: criteria provided, multiple submitters, no conflicts (2 of 4 stars). 2 submissions from 2 submitters: Uncertain significance (2). Last evaluated 2025-12-11.

gnomAD v4.1: 4 of 1,614,144 alleles (0.00025%); highest among the groups gnomAD compares: Non-Finnish European, 0.00034%; no homozygotes.

Submissions (2):

Women's Health and Genetics/Laboratory Corporation of America, LabCorp
Classification: Uncertain significance. Last evaluated: 2025-12-11. Review status: criteria provided, single submitter. Criteria: LabCorp Variant Classification Summary - May 2015. Collection method: clinical testing. Allele origin: germline.

GeneDx
Classification: Uncertain significance. Last evaluated: 2022-11-30. Review status: criteria provided, single submitter. Criteria: GeneDx Variant Classification Process June 2021. Collection method: clinical testing. Allele origin: germline. Affected: yes.
Comment: Not observed at significant frequency in large population cohorts (gnomAD); In silico analysis supports that this missense variant does not alter protein structure/function; Has not been previously published as pathogenic or benign to our knowledge

NM_004415.4(DSP):c.8062C>G (p.Leu2688Val)

Gene: DSP (desmoplakin; plus strand). Cytogenetic location: 6p24.3.
Variant type: single nucleotide variant.
Coding change: c.8062C>G on transcript NM_004415.4 (MANE Select); coding-DNA position 8062, C replaced by G.
Protein change: p.Leu2688Val; replaces leucine 2688 with valine.
Molecular consequence: missense variant.
Genome position (GRCh38, 1-based): chr6:7,585,324, C>G. VCF-style: chr6-7585324-C-G. GRCh37 (hg19) VCF-style: chr6-7585557-C-G.
Other names: c.6265C>G, p.Leu2089Val (NM_001008844.3); c.6733C>G, p.Leu2245Val (NM_001319034.2); short protein forms L2089V, L2245V, L2688V.
Identifiers: ClinVar variation 2504363 (VCV002504363.2), dbSNP rs764149341, ClinGen allele CA051480.